The following is an entry in ClinVar:

ClinVar aggregate classification (germline): Uncertain significance. Review status: criteria provided, multiple submitters, no conflicts (2 of 4 stars). 2 submissions from 2 submitters: Uncertain significance (2). Last evaluated 2025-01-09.

Conditions:
Neuroblastoma, susceptibility to, 3. Also called: ALK-Related Neuroblastic Tumor Susceptibility. Identifiers: Orphanet 635, MedGen C2751681, MONDO:0013083, OMIM 613014.
Hereditary cancer-predisposing syndrome. Also called: Hereditary neoplastic syndrome; Neoplastic Syndromes, Hereditary; Hereditary Cancer Syndrome; Tumor predisposition. Identifiers: Orphanet 140162, MedGen C0027672, MeSH D009386, MONDO:0015356.

Submissions (2):

Ambry Genetics
Classification: Uncertain significance for Hereditary cancer-predisposing syndrome. Last evaluated: 2025-01-09. Review status: criteria provided, single submitter. Criteria: Ambry Variant Classification Scheme 2023. Collection method: clinical testing. Allele origin: germline.
Comment: The p.V559A variant (also known as c.1676T>C), located in coding exon 9 of the ALK gene, results from a T to C substitution at nucleotide position 1676. The valine at codon 559 is replaced by alanine, an amino acid with similar properties. This amino acid position is conserved. In addition, this alteration is predicted to be tolerated by in silico analysis. Since supporting evidence is limited at this time, the clinical significance of this alteration remains unclear.

Labcorp Genetics (formerly Invitae), Labcorp
Classification: Uncertain significance for Neuroblastoma, susceptibility to, 3. Last evaluated: 2020-12-30. Review status: criteria provided, single submitter. Criteria: Invitae Variant Classification Sherloc (09022015). Collection method: clinical testing. Allele origin: germline.
Comment: In summary, the available evidence is currently insufficient to determine the role of this variant in disease. Therefore, it has been classified as a Variant of Uncertain Significance. Algorithms developed to predict the effect of missense changes on protein structure and function output the following: SIFT: "Tolerated"; PolyPhen-2: "Benign"; Align-GVGD: "Class C0". The alanine amino acid residue is found in multiple mammalian species, suggesting that this missense change does not adversely affect protein function. These predictions have not been confirmed by published functional studies and their clinical significance is uncertain. This variant has not been reported in the literature in individuals with ALK-related conditions. This variant is not present in population databases (ExAC no frequency). This sequence change replaces valine with alanine at codon 559 of the ALK protein (p.Val559Ala). The valine residue is highly conserved and there is a small physicochemical difference between valine and alanine.

NM_004304.5(ALK):c.1676T>C (p.Val559Ala)

Gene: ALK (ALK receptor tyrosine kinase; minus strand). Cytogenetic location: 2p23.2.
Variant type: single nucleotide variant.
Coding change: c.1676T>C on transcript NM_004304.5 (MANE Select); coding-DNA position 1676, T replaced by C.
Protein change: p.Val559Ala; replaces valine 559 with alanine.
Molecular consequence: missense variant.
Genome position (GRCh38, 1-based): chr2:29,297,029, A>G on the plus strand (T>C on the coding strand, the complement: ALK is on the minus strand). VCF-style: chr2-29297029-A-G. GRCh37 (hg19) VCF-style: chr2-29519895-A-G.
Other names: short protein forms V559A.
Identifiers: ClinVar variation 1417603 (VCV001417603.11), dbSNP rs2148231259, ClinGen allele CA346466602.